The following is an entry in ClinVar:

NM_004333.6(BRAF):c.973T>G (p.Ser325Ala)

Gene: BRAF (B-Raf proto-oncogene, serine/threonine kinase; minus strand). Cytogenetic location: 7q34.
Variant type: single nucleotide variant.
Coding change: c.973T>G on transcript NM_004333.6 (MANE Select); coding-DNA position 973, T replaced by G.
Protein change: p.Ser325Ala; replaces serine 325 with alanine.
Molecular consequence: missense variant.
Genome position (GRCh38, 1-based): chr7:140,800,369, A>C on the plus strand (T>G on the coding strand, the complement: BRAF is on the minus strand). VCF-style: chr7-140800369-A-C. GRCh37 (hg19) VCF-style: chr7-140500169-A-C.
Other names: c.973T>G, p.Ser325Ala (NM_001354609.2, NM_001374244.1, NM_001374258.1 and 4 more transcripts); c.982T>G, p.Ser328Ala (NM_001378467.1); c.871T>G, p.Ser291Ala (NM_001378470.1); c.817T>G, p.Ser273Ala (NM_001378472.1, NM_001378473.1); c.709T>G, p.Ser237Ala (NM_001378475.1); short protein forms S237A, S273A, S291A, S325A, S328A.
Identifiers: ClinVar variation 2572752 (VCV002572752.1), dbSNP rs1257895069, ClinGen allele CA369590322.

ClinVar aggregate classification (germline): Uncertain significance (1 of 4 stars; one submission).

gnomAD v4.1: 1 of 1,614,138 alleles (0.000062%); highest among the groups gnomAD compares: Non-Finnish European, 0.000085%; no homozygotes.

Submission:

GeneDx
Classification: Uncertain significance. Last evaluated: 2023-01-11. Review status: criteria provided, single submitter. Criteria: GeneDx Variant Classification Process June 2021. Collection method: clinical testing. Allele origin: germline. Affected: yes.
Comment: Not observed at significant frequency in large population cohorts (gnomAD); Missense variants in this gene are often considered pathogenic (HGMD); In silico analysis supports that this missense variant does not alter protein structure/function; Has not been previously published as pathogenic or benign to our knowledge